The following is an entry in ClinVar:

NM_001385.3(DPYS):c.1445C>G (p.Thr482Ser)

Gene: DPYS (dihydropyrimidinase; minus strand). Cytogenetic location: 8q22.3.
Variant type: single nucleotide variant.
Coding change: c.1445C>G on transcript NM_001385.3 (MANE Select); coding-DNA position 1445, C replaced by G.
Protein change: p.Thr482Ser; replaces threonine 482 with serine.
Molecular consequence: missense variant.
Genome position (GRCh38, 1-based): chr8:104,381,313, G>C on the plus strand (C>G on the coding strand, the complement: DPYS is on the minus strand). VCF-style: chr8-104381313-G-C. GRCh37 (hg19) VCF-style: chr8-105393541-G-C.
Other names: short protein forms T482S.
Identifiers: ClinVar variation 4979065 (VCV004979065.1).

ClinVar aggregate classification (germline): Uncertain significance (1 of 4 stars; one submission).

Conditions:
DPYS-related disorder. Also called: DPYS-related condition.

Submission:

PreventionGenetics, part of Exact Sciences
Classification: Uncertain significance for DPYS-related condition. Last evaluated: 2025-03-06. Review status: criteria provided, single submitter. Criteria: ACMG Guidelines, 2015. Collection method: clinical testing. Allele origin: germline.
Comment: The DPYS c.1445C>G variant is predicted to result in the amino acid substitution p.Thr482Ser. To our knowledge, this variant has not been reported in the literature or in a large population database (gnomAD), indicating this variant is rare. At this time, the clinical significance of this variant is uncertain due to the absence of conclusive functional and genetic evidence.